The following is an entry in ClinVar:

ClinVar aggregate classification (germline): Likely pathogenic (3 of 4 stars; one submission).

Conditions:
Open-angle glaucoma. Identifiers: MedGen C0017612, MONDO:0005338, HP:0012108.

Submission:

ClinGen Glaucoma Variant Curation Expert Panel
Classification: Likely pathogenic for Open-angle glaucoma. Last evaluated: 2026-02-04. Review status: reviewed by expert panel. Criteria: ClinGen Glaucoma ACMG Specifications V2.0.0 Approved. Collection method: curation. Allele origin: germline. Inheritance: Autosomal dominant inheritance.
Comment: The c.1348A>T variant in MYOC is a missense variant predicted to cause substitution of Asparagine by Tyrosine at amino acid 450 (p.Asn450Tyr). This variant was not found in any genetic ancestry group of gnomAD (v4.1.0), meeting the ≤ 0.0001 threshold set for PM2_Supporting in a genetic ancestry group of at least 10,000 alleles. The REVEL score = 0.68, which was within the 0.644-0.772 range for PP3, predicting a damaging effect on MYOC function. A transgenic mouse model carrying human MYOC Asn450Tyr (PMID: 35615698), and displaying non secretion of the Asn450Tyr protein in vivo, exhibited a glaucoma phenotype (IOP elevation, retina ganglion cell loss) in a similar fashion to a transgenic mouse carrying another variant classified pathogenic by the ClinGen Glaucoma VCEP (c.1309T>C, p.Tyr437His, ClinVar ID: 7946), meeting PS3. This protein has also been assessed in this other study (PMID: 32818018), however, the same level of evidence was not met. 9 segregations in 1 family, with juvenile or primary open angle glaucoma (JOAG or POAG), have been reported (PMID: 20806035), which fulfilled PP1_Moderate (≥5 meioses in ≥1 family, but not the ≥7 meioses in >1 family for the strong criterion). Only 1 proband with JOAG had been reported (PMID: 20806035), not meeting the ≥ 2 probands threshold required to meet PS4_Supporting. In summary, this variant met the criteria to receive a score of 8 and to be classified as likely pathogenic (likely pathogenic classification range 6 to 9, adapted from PMID: 32720330) for juvenile open angle glaucoma based on the ACMG/AMP criteria met, as specified by the ClinGen Glaucoma VCEP (v2.0.0, 5 Dec 2024): PS3, PP1_Moderate, PP3, PM2_Supporting.

Literature cited by the submitters: PubMed 32818018; PubMed 35615698.

NM_000261.2(MYOC):c.1348A>T (p.Asn450Tyr)

Gene: MYOC (myocilin; minus strand). Cytogenetic location: 1q24.3.
Variant type: single nucleotide variant.
Coding change: c.1348A>T on transcript NM_000261.2 (MANE Select); coding-DNA position 1348, A replaced by T.
Protein change: p.Asn450Tyr; replaces asparagine 450 with tyrosine.
Molecular consequence: missense variant.
Genome position (GRCh38, 1-based): chr1:171,636,092, T>A on the plus strand (A>T on the coding strand, the complement: MYOC is on the minus strand). VCF-style: chr1-171636092-T-A. GRCh37 (hg19) VCF-style: chr1-171605232-T-A.
Other names: NM_000261.2:c.1348A>T; short protein forms N450Y.
Identifiers: ClinVar variation 2505295 (VCV002505295.2), dbSNP rs2527838316, ClinGen allele CA343723639.